The following is an entry in ClinVar:

NM_001042492.3(NF1):c.4204A>G (p.Ile1402Val)

Gene: NF1 (neurofibromin 1; plus strand). Cytogenetic location: 17q11.2.
Variant type: single nucleotide variant.
Coding change: c.4204A>G on transcript NM_001042492.3 (MANE Select); coding-DNA position 4204, A replaced by G.
Protein change: p.Ile1402Val; replaces isoleucine 1402 with valine.
Molecular consequence: missense variant.
Genome position (GRCh38, 1-based): chr17:31,258,374, A>G. VCF-style: chr17-31258374-A-G. GRCh37 (hg19) VCF-style: chr17-29585392-A-G.
Other names: c.4141A>G, p.Ile1381Val (NM_000267.4); short protein forms I1402V, I1381V.
Identifiers: ClinVar variation 3404946 (VCV003404946.2).

ClinVar aggregate classification (germline): Uncertain significance. Review status: criteria provided, multiple submitters, no conflicts (2 of 4 stars). 2 submissions from 2 submitters: Uncertain significance (2). Last evaluated 2025-12-19.

Conditions:
Hereditary cancer-predisposing syndrome. Also called: Hereditary Cancer Syndrome; Hereditary neoplastic syndrome; Neoplastic Syndromes, Hereditary; Tumor predisposition. Identifiers: Orphanet 140162, MedGen C0027672, MeSH D009386, MONDO:0015356.
Cardiovascular phenotype. Identifiers: MedGen CN230736.
Neurofibromatosis, type 1 (NF1). Also called: NEUROFIBROMATOSIS, TYPE I, SOMATIC; Neurofibromatosis, type I; Peripheral type neurofibromatosis; VON RECKLINGHAUSEN DISEASE. Identifiers: Orphanet 636, MedGen C0027831, MONDO:0018975, OMIM 162200. Disease mechanism: loss of function.

gnomAD v4.1: 1 of 1,613,978 alleles (0.000062%); highest among the groups gnomAD compares: Non-Finnish European, 0.000085%; no homozygotes.

Submissions (2):

Labcorp Genetics (formerly Invitae), Labcorp
Classification: Uncertain significance for Neurofibromatosis, type 1. Last evaluated: 2025-12-19. Review status: criteria provided, single submitter. Criteria: Invitae Variant Classification Sherloc (09022015). Collection method: clinical testing. Allele origin: germline.
Comment: This sequence change replaces isoleucine, which is neutral and non-polar, with valine, which is neutral and non-polar, at codon 1381 of the NF1 protein (p.Ile1381Val). This variant is present in population databases (no rsID available, gnomAD 0.0009%). This variant has not been reported in the literature in individuals affected with NF1-related conditions. ClinVar contains an entry for this variant (Variation ID: 3404946). Invitae Evidence Modeling of protein sequence and biophysical properties (such as structural, functional, and spatial information, amino acid conservation, physicochemical variation, residue mobility, and thermodynamic stability) has been performed for this missense variant. However, the output from this modeling did not meet the statistical confidence thresholds required to predict the impact of this variant on NF1 protein function. In summary, the available evidence is currently insufficient to determine the role of this variant in disease. Therefore, it has been classified as a Variant of Uncertain Significance.

Ambry Genetics
Classification: Uncertain significance for Cardiovascular phenotype; Hereditary cancer-predisposing syndrome. Last evaluated: 2024-12-01. Review status: criteria provided, single submitter. Criteria: Ambry Variant Classification Scheme 2023. Collection method: clinical testing. Allele origin: germline.
Comment: The p.I1381V variant (also known as c.4141A>G), located in coding exon 31 of the NF1 gene, results from an A to G substitution at nucleotide position 4141. The isoleucine at codon 1381 is replaced by valine, an amino acid with highly similar properties. This amino acid position is conserved. In addition, the in silico prediction for this alteration is inconclusive. Based on the available evidence, the clinical significance of this variant remains unclear.